The following is an entry in ClinVar:

NM_018180.3(DHX32):c.1987G>C (p.Glu663Gln)

Genes: DHX32 (DEAH-box helicase 32 (putative); minus strand), BCCIP (BRCA2 and CDKN1A interacting protein; plus strand). Cytogenetic location: 10q26.2.
Variant type: single nucleotide variant.
Coding change: c.1987G>C on transcript NM_018180.3 (MANE Select); coding-DNA position 1987, G replaced by C.
Protein change: p.Glu663Gln; replaces glutamic acid 663 with glutamine.
Molecular consequence: missense variant. On other transcripts: intron variant (2).
Genome position (GRCh38, 1-based): chr10:125,838,282, C>G on the plus strand (G>C on the coding strand, the complement: DHX32 is on the minus strand). VCF-style: chr10-125838282-C-G. GRCh37 (hg19) VCF-style: chr10-127526851-C-G.
Other names: c.775-2973C>G (NM_016567.4, NM_078469.3); short protein forms E663Q.
Identifiers: ClinVar variation 2200766 (VCV002200766.3), dbSNP rs377344904, ClinGen allele CA5738996.

ClinVar aggregate classification (germline): Uncertain significance. Review status: criteria provided, multiple submitters, no conflicts (2 of 4 stars). 2 submissions from 2 submitters: Uncertain significance (2). Last evaluated 2025-11-05.

Allele frequency attached by ClinVar (database versions not stated): ExAC 0.00003; gnomAD exomes 0.00001; ESP Exome Variant Server 0.00008; gnomAD 0.00014; TOPMed 0.00015.
gnomAD v4.1: 35 of 1,613,974 alleles (0.0022%); highest among the groups gnomAD compares: African/African-American, 0.04%; no homozygotes.

Submissions (2):

Ambry Genetics
Classification: Uncertain significance. Last evaluated: 2025-11-05. Review status: criteria provided, single submitter. Criteria: Ambry Variant Classification Scheme 2023. Collection method: clinical testing. Allele origin: germline.

Labcorp Genetics (formerly Invitae), Labcorp
Classification: Uncertain significance. Last evaluated: 2024-09-06. Review status: criteria provided, single submitter. Criteria: Invitae Variant Classification Sherloc (09022015). Collection method: clinical testing. Allele origin: germline.
Comment: This sequence change replaces glutamic acid, which is acidic and polar, with glutamine, which is neutral and polar, at codon 663 of the DHX32 protein (p.Glu663Gln). This variant is present in population databases (rs377344904, gnomAD 0.06%), and has an allele count higher than expected for a pathogenic variant. This variant has not been reported in the literature in individuals affected with DHX32-related conditions. ClinVar contains an entry for this variant (Variation ID: 2200766). An algorithm developed to predict the effect of missense changes on protein structure and function (PolyPhen-2) suggests that this variant is likely to be disruptive. In summary, the available evidence is currently insufficient to determine the role of this variant in disease. Therefore, it has been classified as a Variant of Uncertain Significance.